The following is an entry in ClinVar:

ClinVar aggregate classification (germline): Uncertain significance (1 of 4 stars; one submission).

Submission:

Mayo Clinic Laboratories, Mayo Clinic
Classification: Uncertain significance. Last evaluated: 2023-07-06. Review status: criteria provided, single submitter. Criteria: ACMG Guidelines, 2015. Collection method: clinical testing. Allele origin: germline. Observed: 1 variant allele.
Comment: PP2, PM2

NM_000388.4(CASR):c.639_640delinsCC (p.Ala214Pro)

Gene: CASR (calcium sensing receptor; plus strand). Cytogenetic location: 3q21.1.
Variant type: Indel.
Coding change: c.639_640delinsCC on transcript NM_000388.4 (MANE Select); coding-DNA positions 639 to 640, AG replaced by CC.
Protein change: p.Ala214Pro; replaces alanine 214 with proline.
Molecular consequence: missense variant.
Genome position (GRCh38, 1-based): chr3:122,261,674-122,261,675, AG replaced by CC. VCF-style: chr3-122261674-AG-CC. GRCh37 (hg19) VCF-style: chr3-121980521-AG-CC.
Other names: p.Ala214Pro; c.639_640delinsCC, p.Ala214Pro (NM_001178065.2); short protein forms A214P.
Identifiers: ClinVar variation 3379486 (VCV003379486.1).